The following is an entry in ClinVar:

ClinVar aggregate classification (germline): Pathogenic (1 of 4 stars; one submission).

Conditions:
Mitochondrial DNA depletion syndrome, encephalomyopathic form with methylmalonic aciduria (MTDPS5). Also called: SUCLA2-Related Mitochondrial DNA Depletion Syndrome, Encephalomyopathic Form with Methylmalonic Aciduria; MITOCHONDRIAL DNA DEPLETION SYNDROME, ENCEPHALOMYOPATHIC FORM, WITH OR WITHOUT METHYLMALONIC ACIDURIA, AUTOSOMAL RECESSIVE, SUCLA2-RELATED; Mitochondrial DNA depletion syndrome 5 (encephalomyopathic with or without methylmalonic aciduria); Mitochondrial encephalomyopathy aminoacidopathy. Identifiers: Orphanet 1933, MedGen C5980207, MONDO:0012791, OMIM 612073.

Submission:

Labcorp Genetics (formerly Invitae), Labcorp
Classification: Pathogenic for Mitochondrial DNA depletion syndrome, encephalomyopathic form with methylmalonic aciduria. Last evaluated: 2025-03-14. Review status: criteria provided, single submitter. Criteria: Invitae Variant Classification Sherloc (09022015). Collection method: clinical testing. Allele origin: germline.
Comment: This sequence change creates a premature translational stop signal (p.Gln49*) in the SUCLA2 gene. It is expected to result in an absent or disrupted protein product. Loss-of-function variants in SUCLA2 are known to be pathogenic (PMID: 15877282, 17301081). This variant is not present in population databases (gnomAD no frequency). This variant has not been reported in the literature in individuals affected with SUCLA2-related conditions. For these reasons, this variant has been classified as Pathogenic.

Literature cited by the submitters: PubMed 15877282; PubMed 17301081.

NM_003850.3(SUCLA2):c.145C>T (p.Gln49Ter)

Gene: SUCLA2 (succinate-CoA ligase ADP-forming subunit beta; minus strand). Cytogenetic location: 13q14.2.
Variant type: single nucleotide variant.
Coding change: c.145C>T on transcript NM_003850.3 (MANE Select); coding-DNA position 145, C replaced by T.
Protein change: p.Gln49Ter; replaces glutamine 49 with a stop codon.
Molecular consequence: nonsense.
Genome position (GRCh38, 1-based): chr13:47,996,969, G>A on the plus strand (C>T on the coding strand, the complement: SUCLA2 is on the minus strand). VCF-style: chr13-47996969-G-A. GRCh37 (hg19) VCF-style: chr13-48571104-G-A.
Other names: short protein forms Q49*.
Identifiers: ClinVar variation 4708672 (VCV004708672.1).